The following is an entry in ClinVar:

ClinVar aggregate classification (germline): Benign/Likely benign. Review status: criteria provided, multiple submitters, no conflicts (2 of 4 stars). 5 submissions from 5 submitters: Benign (2); Likely benign (2). 1 of the submissions does not count toward it. Last evaluated 2026-03-02.

Conditions:
DYNC1H1-related disorder. Also called: DYNC1H1-related condition; DYNC1H1-related disorders. Identifiers: MedGen CN381529.
Charcot-Marie-Tooth disease axonal type 2O. Also called: Charcot-Marie-Tooth Neuropathy Type 2O; CHARCOT-MARIE-TOOTH NEUROPATHY, AXONAL, TYPE 2O; CHARCOT-MARIE-TOOTH DISEASE, AXONAL, AUTOSOMAL DOMINANT, TYPE 2O; Charcot-Marie-Tooth disease, axonal, type 20. Identifiers: Orphanet 284232, MedGen C3280220, MONDO:0013644, OMIM 614228.

Allele frequency attached by ClinVar (database versions not stated): gnomAD exomes 0.00006 and 0.00010; ExAC 0.00015; gnomAD 0.00019 and 0.00020; 1000 Genomes Project 0.00020; TOPMed 0.00023; 1000 Genomes Project 30x 0.00031; ESP Exome Variant Server 0.00031.
gnomAD v4.1: 116 of 1,614,170 alleles (0.0072%); highest among the groups gnomAD compares: Middle Eastern, 0.066%; 1 homozygote.

Submissions (5):

Women's Health and Genetics/Laboratory Corporation of America, LabCorp
Classification: Benign. Last evaluated: 2026-03-02. Review status: criteria provided, single submitter. Criteria: LabCorp Variant Classification Summary - May 2015. Collection method: clinical testing. Allele origin: germline.

Labcorp Genetics (formerly Invitae), Labcorp
Classification: Benign for Charcot-Marie-Tooth disease axonal type 2O. Last evaluated: 2026-01-21. Review status: criteria provided, single submitter. Criteria: Invitae Variant Classification Sherloc (09022015). Collection method: clinical testing. Allele origin: germline.

Blueprint Genetics
Classification: Likely benign. Last evaluated: 2024-02-19. Review status: criteria provided, single submitter. Criteria: ACMG Guidelines, 2015. Collection method: clinical testing. Allele origin: germline.

GeneDx
Classification: Likely benign. Last evaluated: 2019-05-24. Review status: criteria provided, single submitter. Criteria: GeneDx Variant Classification Process June 2021. Collection method: clinical testing. Allele origin: germline. Affected: yes.

PreventionGenetics, part of Exact Sciences
Classification: Likely benign for DYNC1H1-related condition. Last evaluated: 2020-02-26. Review status: no assertion criteria provided. Collection method: clinical testing. Allele origin: germline. Not counted in ClinVar's aggregate classification.
Comment: This variant is classified as likely benign based on ACMG/AMP sequence variant interpretation guidelines (Richards et al. 2015 PMID: 25741868, with internal and published modifications).

NM_001376.5(DYNC1H1):c.885G>A (p.Pro295=)

Gene: DYNC1H1 (dynein cytoplasmic 1 heavy chain 1; plus strand). Cytogenetic location: 14q32.31.
Variant type: single nucleotide variant.
Coding change: c.885G>A on transcript NM_001376.5 (MANE Select); coding-DNA position 885, G replaced by A.
Protein change: p.Pro295=; no amino-acid change (proline 295 retained).
Molecular consequence: synonymous variant.
Genome position (GRCh38, 1-based): chr14:101,980,474, G>A. VCF-style: chr14-101980474-G-A. GRCh37 (hg19) VCF-style: chr14-102446811-G-A.
Identifiers: ClinVar variation 510006 (VCV000510006.18), dbSNP rs34287672, ClinGen allele CA7351602.